The following is an entry in ClinVar:

NM_000256.3(MYBPC3):c.1581G>A (p.Leu527=)

Gene: MYBPC3 (myosin binding protein C3; minus strand). Cytogenetic location: 11p11.2.
Variant type: single nucleotide variant.
Coding change: c.1581G>A on transcript NM_000256.3 (MANE Select); coding-DNA position 1581, G replaced by A.
Protein change: p.Leu527=; no amino-acid change (leucine 527 retained).
Molecular consequence: synonymous variant.
Genome position (GRCh38, 1-based): chr11:47,342,621, C>T on the plus strand (G>A on the coding strand, the complement: MYBPC3 is on the minus strand). VCF-style: chr11-47342621-C-T. GRCh37 (hg19) VCF-style: chr11-47364172-C-T.
Identifiers: ClinVar variation 3074557 (VCV003074557.1), dbSNP rs1595846156, ClinGen allele CA474219680.

ClinVar aggregate classification (germline): Likely benign (1 of 4 stars; one submission).

Conditions:
Hypertrophic cardiomyopathy. Also called: HYPERTROPHIC MYOCARDIOPATHY. Identifiers: Orphanet 217569, MedGen C0007194, MeSH D002312, MONDO:0005045, HP:0001639.

Allele frequency attached by ClinVar (database versions not stated): gnomAD exomes below 0.00001.
gnomAD v4.1: 1 of 1,613,690 alleles (0.000062%); highest among the groups gnomAD compares: South Asian, 0.0011%; no homozygotes.

Submission:

All of Us Research Program, National Institutes of Health
Classification: Likely benign for Hypertrophic cardiomyopathy. Last evaluated: 2023-11-20. Review status: criteria provided, single submitter. Criteria: ACMG Guidelines, 2015. Collection method: clinical testing. Allele origin: germline. Inheritance: Autosomal dominant inheritance. Observed: 1 variant allele, 1 heterozygote.
Comment: This study involves interpretation of variants in research participants for the purpose of population health screening. Participant phenotype was not available at the time of variant classification. Additional details can be found in publication PMID: 35346344, PMCID: PMC8962531